The following is an entry in ClinVar:

NM_002386.4(MC1R):c.597G>A (p.Met199Ile)

Gene: MC1R (melanocortin 1 receptor; plus strand). Cytogenetic location: 16q24.3.
Variant type: single nucleotide variant.
Coding change: c.597G>A on transcript NM_002386.4 (MANE Select); coding-DNA position 597, G replaced by A.
Protein change: p.Met199Ile; replaces methionine 199 with isoleucine.
Molecular consequence: missense variant.
Genome position (GRCh38, 1-based): chr16:89,919,855, G>A. VCF-style: chr16-89919855-G-A. GRCh37 (hg19) VCF-style: chr16-89986263-G-A.
Other names: c.597G>A (NM_002386.3); short protein forms M199I.
Identifiers: ClinVar variation 3696004 (VCV003696004.3).
Genomic context (GRCh38, chr16:89,919,855, plus strand): 5'-CATCGCCTACTACGACCACGTGGCCGTCCTGCTGTGCCTCGTGGTCTTCTTCCTGGCTAT[G>A]CTGGTGCTCATGGCCGTGCTGTACGTCCACATGCTGGCCCGGGCCTGCCAGCACGCCCAG-3'
Protein context (NP_002377.4, residues 189-209): LLCLVVFFLA[Met199Ile]LVLMAVLYVH

ClinVar aggregate classification (germline): Uncertain significance. Review status: criteria provided, multiple submitters, no conflicts (2 of 4 stars). 2 submissions from 2 submitters: Uncertain significance (2). Last evaluated 2024-12-29.

Conditions:
Melanoma, cutaneous malignant, susceptibility to, 5. Also called: Cutaneous malignant melanoma 5. Identifiers: Orphanet 618, MedGen C2751295, MONDO:0013133, OMIM 613099.

Submissions (2):

Ambry Genetics
Classification: Uncertain significance. Last evaluated: 2024-12-29. Review status: criteria provided, single submitter. Criteria: Ambry Variant Classification Scheme 2023. Collection method: clinical testing. Allele origin: germline.
Comment: The p.M199I variant (also known as c.597G>A), located in coding exon 1 of the MC1R gene, results from a G to A substitution at nucleotide position 597. The methionine at codon 199 is replaced by isoleucine, an amino acid with highly similar properties. This amino acid position is conserved. In addition, this alteration is predicted to be tolerated by in silico analysis. Based on the available evidence, the clinical significance of this variant remains unclear.

Labcorp Genetics (formerly Invitae), Labcorp
Classification: Uncertain significance for Melanoma, cutaneous malignant, susceptibility to, 5. Last evaluated: 2024-02-15. Review status: criteria provided, single submitter. Criteria: Invitae Variant Classification Sherloc (09022015). Collection method: clinical testing. Allele origin: germline.
Comment: This sequence change replaces methionine, which is neutral and non-polar, with isoleucine, which is neutral and non-polar, at codon 199 of the MC1R protein (p.Met199Ile). This variant is not present in population databases (gnomAD no frequency). This variant has not been reported in the literature in individuals affected with MC1R-related conditions. Advanced modeling of protein sequence and biophysical properties (such as structural, functional, and spatial information, amino acid conservation, physicochemical variation, residue mobility, and thermodynamic stability) performed at Invitae indicates that this missense variant is not expected to disrupt MC1R protein function with a negative predictive value of 80%. In summary, the available evidence is currently insufficient to determine the role of this variant in disease. Therefore, it has been classified as a Variant of Uncertain Significance.